The following is an entry in ClinVar:

ClinVar aggregate classification (germline): Uncertain significance (1 of 4 stars; one submission).

Conditions:
Mucopolysaccharidosis, MPS-III-A (MPS3A). Also called: Mucopolysaccharidosis type IIIA (Sanfilippo A); HEPARAN SULFATE SULFATASE DEFICIENCY; SANFILIPPO SYNDROME A; SULFAMIDASE DEFICIENCY; MPS III A; Mucopolysaccharidosis, type IIIA. Identifiers: Orphanet 581, Orphanet 79269, MedGen C0086647, MONDO:0009655, OMIM 252900.

Submission:

Labcorp Genetics (formerly Invitae), Labcorp
Classification: Uncertain significance for Mucopolysaccharidosis, MPS-III-A. Last evaluated: 2024-03-12. Review status: criteria provided, single submitter. Criteria: Invitae Variant Classification Sherloc (09022015). Collection method: clinical testing. Allele origin: germline.
Comment: This sequence change replaces cysteine, which is neutral and slightly polar, with arginine, which is basic and polar, at codon 3 of the SGSH protein (p.Cys3Arg). This variant is not present in population databases (gnomAD no frequency). This variant has not been reported in the literature in individuals affected with SGSH-related conditions. Algorithms developed to predict the effect of missense changes on protein structure and function output the following: SIFT: "Not Available"; PolyPhen-2: "Not Available"; Align-GVGD: "Not Available". The arginine amino acid residue is found in multiple mammalian species, which suggests that this missense change does not adversely affect protein function. In summary, the available evidence is currently insufficient to determine the role of this variant in disease. Therefore, it has been classified as a Variant of Uncertain Significance.

NM_000199.5(SGSH):c.7T>C (p.Cys3Arg)

Genes: SGSH (N-sulfoglucosamine sulfohydrolase; minus strand), LOC130061900 (ATAC-STARR-seq lymphoblastoid silent region 9102; plus strand). Cytogenetic location: 17q25.3.
Variant type: single nucleotide variant.
Coding change: c.7T>C on transcript NM_000199.5 (MANE Select); coding-DNA position 7, T replaced by C.
Protein change: p.Cys3Arg; replaces cysteine 3 with arginine.
Molecular consequence: missense variant. On other transcripts: non-coding transcript variant (1).
Genome position (GRCh38, 1-based): chr17:80,220,307, A>G on the plus strand (T>C on the coding strand, the complement: SGSH is on the minus strand). VCF-style: chr17-80220307-A-G. GRCh37 (hg19) VCF-style: chr17-78194106-A-G.
Other names: c.7T>C, p.Cys3Arg (NM_001352921.3, NM_001352922.2); short protein forms C3R.
Identifiers: ClinVar variation 3634764 (VCV003634764.2).